The following is an entry in ClinVar:

NM_201384.3(PLEC):c.8470G>C (p.Val2824Leu)

Gene: PLEC (plectin; minus strand). Cytogenetic location: 8q24.3.
Variant type: single nucleotide variant.
Coding change: c.8470G>C on transcript NM_201384.3 (MANE Select); coding-DNA position 8470, G replaced by C.
Protein change: p.Val2824Leu; replaces valine 2824 with leucine.
Molecular consequence: missense variant.
Genome position (GRCh38, 1-based): chr8:143,921,351, C>G on the plus strand (G>C on the coding strand, the complement: PLEC is on the minus strand). VCF-style: chr8-143921351-C-G. GRCh37 (hg19) VCF-style: chr8-144995519-C-G.
Other names: c.8551G>C, p.Val2851Leu (NM_000445.5); c.5170G>C, p.Val1724Leu (NM_001410941.1); c.8428G>C, p.Val2810Leu (NM_201378.4); c.8404G>C, p.Val2802Leu (NM_201379.3); c.8881G>C, p.Val2961Leu (NM_201380.4); c.8374G>C, p.Val2792Leu (NM_201381.3); c.8470G>C, p.Val2824Leu (NM_201382.4); c.8482G>C, p.Val2828Leu (NM_201383.3); short protein forms V1724L, V2792L, V2802L, V2824L, V2828L, V2851L, V2961L, V2810L.
Identifiers: ClinVar variation 2944706 (VCV002944706.3), dbSNP rs201160327, ClinGen allele CA372515977.

ClinVar aggregate classification (germline): Uncertain significance (1 of 4 stars; one submission).

Conditions:
Epidermolysis bullosa simplex with nail dystrophy (EBS5D). Identifiers: MedGen C4225309, MONDO:0014661, OMIM 616487.
Epidermolysis bullosa simplex, Ogna type (EBS5A). Also called: Pidermolysis bullosa simplex 5A, Ogna type; EPIDERMOLYSIS BULLOSA SIMPLEX 5A, OGNA TYPE. Identifiers: Orphanet 79401, MedGen C0432317, MONDO:0007555, OMIM 131950.
Autosomal recessive limb-girdle muscular dystrophy type 2Q (LGMDR17). Also called: MUSCULAR DYSTROPHY, LIMB-GIRDLE, AUTOSOMAL RECESSIVE 17. Identifiers: Orphanet 254361, MedGen C3150989, MONDO:0013390, OMIM 613723.
Epidermolysis bullosa simplex 5B, with muscular dystrophy (EBS5B). Also called: EPIDERMOLYSIS BULLOSA SIMPLEX AND LIMB-GIRDLE MUSCULAR DYSTROPHY; Epidermolysis bullosa simplex with muscular dystrophy. Identifiers: Orphanet 257, MedGen C2931072, MONDO:0009181, OMIM 226670.
Epidermolysis bullosa simplex 5C, with pyloric atresia (EBS5C). Also called: PLEC-Related Epidermolysis Bullosa with Pyloric Atresia; Epidermolysis bullosa simplex with pyloric atresia; PLEC1-Related Epidermolysis Bullosa with Pyloric Atresia. Identifiers: Orphanet 158684, MedGen C2677349, MONDO:0012807, OMIM 612138.

Submission:

Labcorp Genetics (formerly Invitae), Labcorp
Classification: Uncertain significance for Autosomal recessive limb-girdle muscular dystrophy type 2Q; Epidermolysis bullosa simplex, Ogna type; Epidermolysis bullosa simplex with nail dystrophy; Epidermolysis bullosa simplex 5C, with pyloric atresia; Epidermolysis bullosa simplex 5B, with muscular dystrophy. Last evaluated: 2023-05-31. Review status: criteria provided, single submitter. Criteria: Invitae Variant Classification Sherloc (09022015). Collection method: clinical testing. Allele origin: germline.
Comment: This sequence change replaces valine, which is neutral and non-polar, with leucine, which is neutral and non-polar, at codon 2851 of the PLEC protein (p.Val2851Leu). In summary, the available evidence is currently insufficient to determine the role of this variant in disease. Therefore, it has been classified as a Variant of Uncertain Significance. Algorithms developed to predict the effect of missense changes on protein structure and function output the following: SIFT: "Not Available"; PolyPhen-2: "Benign"; Align-GVGD: "Not Available". The leucine amino acid residue is found in multiple mammalian species, which suggests that this missense change does not adversely affect protein function. This variant has not been reported in the literature in individuals affected with PLEC-related conditions. This variant is not present in population databases (gnomAD no frequency).